The following is an entry in ClinVar:

ClinVar aggregate classification (germline): Pathogenic/Likely pathogenic. Review status: criteria provided, multiple submitters, no conflicts (2 of 4 stars). 3 submissions from 3 submitters: Pathogenic (1); Likely pathogenic (2). Last evaluated 2025-11-17.

Conditions:
Charcot-Marie-Tooth disease type 2. Also called: Charcot-Marie-Tooth type 2. Identifiers: Orphanet 64746, MedGen C0270914, MONDO:0018993.

Submissions (3):

Labcorp Genetics (formerly Invitae), Labcorp
Classification: Pathogenic for Charcot-Marie-Tooth disease type 2. Last evaluated: 2025-11-17. Review status: criteria provided, single submitter. Criteria: Invitae Variant Classification Sherloc (09022015). Collection method: clinical testing. Allele origin: germline.
Comment: This sequence change replaces glutamic acid, which is acidic and polar, with aspartic acid, which is acidic and polar, at codon 237 of the MFN2 protein (p.Glu237Asp). This variant is not present in population databases (gnomAD no frequency). This missense change has been observed in individuals with autosomal dominant Charcot-Marie-Tooth disease (PMID: 33415332; internal data). It has also been observed to segregate with disease in related individuals. ClinVar contains an entry for this variant (Variation ID: 585714). Invitae Evidence Modeling of protein sequence and biophysical properties (such as structural, functional, and spatial information, amino acid conservation, physicochemical variation, residue mobility, and thermodynamic stability) indicates that this missense variant is expected to disrupt MFN2 protein function with a positive predictive value of 95%. For these reasons, this variant has been classified as Pathogenic.

Athena Diagnostics
Classification: Likely pathogenic. Last evaluated: 2024-08-22. Review status: criteria provided, single submitter. Criteria: Athena Diagnostics Criteria. Collection method: clinical testing. Allele origin: unknown.
Comment: This variant has not been reported in large, multi-ethnic general populations. This variant has been identified in multiple unrelated individuals with clinical features associated with this gene. Polyphen and MutationTaster predict this amino acid change may be damaging to the protein. The variant is located in a region that is considered important for protein function and/or structure.

GeneDx
Classification: Likely pathogenic. Last evaluated: 2024-04-18. Review status: criteria provided, single submitter. Criteria: GeneDx Variant Classification Process June 2021. Collection method: clinical testing. Allele origin: germline. Affected: yes.
Comment: Reported previously as a variant of uncertain significance in three family members with Charcot-Marie-Tooth disease Type 2A (CMT2A) in association with dominant inheritance; however, no further clinical or segregation information was provided (PMID: 33415332); Not observed at significant frequency in large population cohorts (gnomAD); In silico analysis supports that this missense variant has a deleterious effect on protein structure/function; This variant is associated with the following publications: (PMID: 24863639, 33415332)

Literature cited by the submitters: PubMed 33415332 (cited by Labcorp Genetics (formerly Invitae), Labcorp and Athena Diagnostics).

NM_014874.4(MFN2):c.711A>T (p.Glu237Asp)

Gene: MFN2 (mitofusin 2; plus strand). Cytogenetic location: 1p36.22.
Variant type: single nucleotide variant.
Coding change: c.711A>T on transcript NM_014874.4 (MANE Select); coding-DNA position 711, A replaced by T.
Protein change: p.Glu237Asp; replaces glutamic acid 237 with aspartic acid.
Molecular consequence: missense variant.
Genome position (GRCh38, 1-based): chr1:11,998,990, A>T. VCF-style: chr1-11998990-A-T. GRCh37 (hg19) VCF-style: chr1-12059047-A-T.
Other names: c.711A>T, p.Glu237Asp (NM_001127660.2); short protein forms E237D.
Identifiers: ClinVar variation 585714 (VCV000585714.15), dbSNP rs1557525000, ClinGen allele CA338438835.